The following is an entry in ClinVar:

ClinVar aggregate classification (germline): Pathogenic. Review status: criteria provided, multiple submitters, no conflicts (2 of 4 stars). 2 submissions from 2 submitters: Pathogenic (2). Last evaluated 2025-10-23.

Submissions (2):

Labcorp Genetics (formerly Invitae), Labcorp
Classification: Pathogenic. Last evaluated: 2025-10-23. Review status: criteria provided, single submitter. Criteria: Invitae Variant Classification Sherloc (09022015). Collection method: clinical testing. Allele origin: germline.
Comment: This sequence change creates a premature translational stop signal (p.Arg215*) in the VIPAS39 gene. It is expected to result in an absent or disrupted protein product. Loss-of-function variants in VIPAS39 are known to be pathogenic (PMID: 20190753, 22753090). This variant is present in population databases (rs377615868, gnomAD 0.03%). This variant has not been reported in the literature in individuals affected with VIPAS39-related conditions. ClinVar contains an entry for this variant (Variation ID: 1924536). Algorithms developed to predict the effect of sequence changes on RNA splicing suggest that this variant may disrupt the consensus splice site. For these reasons, this variant has been classified as Pathogenic.

CeGaT Center for Human Genetics Tuebingen
Classification: Pathogenic. Last evaluated: 2023-06-01. Review status: criteria provided, single submitter. Criteria: CeGaT Center For Human Genetics Tuebingen Variant Classification Criteria Version 2. Collection method: clinical testing. Allele origin: germline. Affected: yes. Observed: 1 variant allele.
Comment: VIPAS39: PVS1, PM2

Literature cited by the submitters: PubMed 20190753 (cited by Labcorp Genetics (formerly Invitae), Labcorp); PubMed 22753090 (cited by Labcorp Genetics (formerly Invitae), Labcorp).

NM_001193315.2(VIPAS39):c.643C>T (p.Arg215Ter)

Gene: VIPAS39 (VPS33B interacting protein, apical-basolateral polarity regulator, spe-39 homolog; minus strand). Cytogenetic location: 14q24.3.
Variant type: single nucleotide variant.
Coding change: c.643C>T on transcript NM_001193315.2 (MANE Select); coding-DNA position 643, C replaced by T.
Protein change: p.Arg215Ter; replaces arginine 215 with a stop codon.
Molecular consequence: nonsense.
Genome position (GRCh38, 1-based): chr14:77,442,651, G>A on the plus strand (C>T on the coding strand, the complement: VIPAS39 is on the minus strand). VCF-style: chr14-77442651-G-A. GRCh37 (hg19) VCF-style: chr14-77908994-G-A.
Other names: c.643C>T, p.Arg215Ter (NM_001193314.2, NM_001193317.2, NM_022067.4); c.496C>T, p.Arg166Ter (NM_001193316.2); short protein forms R166*, R215*.
Identifiers: ClinVar variation 1924536 (VCV001924536.32), dbSNP rs377615868, ClinGen allele CA7288009.